The following is an entry in ClinVar:

NM_001080449.3(DNA2):c.400A>G (p.Ile134Val)

Gene: DNA2 (DNA replication helicase/nuclease 2; minus strand). Cytogenetic location: 10q21.3.
Variant type: single nucleotide variant.
Coding change: c.400A>G on transcript NM_001080449.3 (MANE Select); coding-DNA position 400, A replaced by G.
Protein change: p.Ile134Val; replaces isoleucine 134 with valine.
Molecular consequence: missense variant. On other transcripts: non-coding transcript variant (1).
Genome position (GRCh38, 1-based): chr10:68,468,164, T>C on the plus strand (A>G on the coding strand, the complement: DNA2 is on the minus strand). VCF-style: chr10-68468164-T-C. GRCh37 (hg19) VCF-style: chr10-70227921-T-C.
Other names: short protein forms I134V.
Identifiers: ClinVar variation 3626945 (VCV003626945.2).

ClinVar aggregate classification (germline): Uncertain significance (1 of 4 stars; one submission).

Submission:

Labcorp Genetics (formerly Invitae), Labcorp
Classification: Uncertain significance. Last evaluated: 2024-12-30. Review status: criteria provided, single submitter. Criteria: Invitae Variant Classification Sherloc (09022015). Collection method: clinical testing. Allele origin: germline.
Comment: This sequence change replaces isoleucine, which is neutral and non-polar, with valine, which is neutral and non-polar, at codon 134 of the DNA2 protein (p.Ile134Val). This variant is present in population databases (rs576929468, gnomAD 0.007%). This variant has not been reported in the literature in individuals affected with DNA2-related conditions. Invitae Evidence Modeling of protein sequence and biophysical properties (such as structural, functional, and spatial information, amino acid conservation, physicochemical variation, residue mobility, and thermodynamic stability) indicates that this missense variant is not expected to disrupt DNA2 protein function with a negative predictive value of 80%. In summary, the available evidence is currently insufficient to determine the role of this variant in disease. Therefore, it has been classified as a Variant of Uncertain Significance.